The following is an entry in ClinVar:

NM_006514.4(SCN10A):c.5020_5021delinsAT (p.Gly1674Met)

Gene: SCN10A (sodium voltage-gated channel alpha subunit 10; minus strand). Cytogenetic location: 3p22.2.
Variant type: Indel.
Coding change: c.5020_5021delinsAT on transcript NM_006514.4 (MANE Select); coding-DNA positions 5020 to 5021, GG replaced by AT.
Protein change: p.Gly1674Met; replaces glycine 1674 with methionine.
Molecular consequence: missense variant.
Genome position (GRCh38, 1-based): chr3:38,698,199-38,698,200, CC replaced by AT on the plus strand (GG replaced by AT on the coding strand, the reverse complement: SCN10A is on the minus strand). VCF-style: chr3-38698199-CC-AT. GRCh37 (hg19) VCF-style: chr3-38739690-CC-AT.
Other names: c.5017_5018delinsAT, p.Gly1673Met (NM_001293306.2); c.4726_4727delinsAT, p.Gly1576Met (NM_001293307.2); short protein forms G1673M, G1576M, G1674M.
Identifiers: ClinVar variation 3793133 (VCV003793133.1).

ClinVar aggregate classification (germline): Uncertain significance (1 of 4 stars; one submission).

Conditions:
Cardiovascular phenotype. Identifiers: MedGen CN230736.

Submission:

Ambry Genetics
Classification: Uncertain significance for Cardiovascular phenotype. Last evaluated: 2025-03-11. Review status: criteria provided, single submitter. Criteria: Ambry Variant Classification Scheme 2023. Collection method: clinical testing. Allele origin: germline.
Comment: The c.5020_5021delGGinsAT variant, located in coding exon 27 of the SCN10A gene, results from an in-frame deletion of GG and insertion of AT at nucleotide positions 5020 to 5021. This results in the substitution of the glycine residue for a methionine residue at codon 1674, an amino acid with dissimilar properties. This amino acid position is well conserved in available vertebrate species. Based on the available evidence, the clinical significance of this variant remains unclear.